The following is an entry in ClinVar:

NM_006031.6(PCNT):c.5010A>C (p.Glu1670Asp)

Gene: PCNT (pericentrin; plus strand). Cytogenetic location: 21q22.3.
Variant type: single nucleotide variant.
Coding change: c.5010A>C on transcript NM_006031.6 (MANE Select); coding-DNA position 5010, A replaced by C.
Protein change: p.Glu1670Asp; replaces glutamic acid 1670 with aspartic acid.
Molecular consequence: missense variant.
Genome position (GRCh38, 1-based): chr21:46,402,378, A>C. VCF-style: chr21-46402378-A-C. GRCh37 (hg19) VCF-style: chr21-47822292-A-C.
Other names: c.4656A>C, p.Glu1552Asp (NM_001315529.2); short protein forms E1670D, E1552D.
Identifiers: ClinVar variation 4994441 (VCV004994441.1).

ClinVar aggregate classification (germline): Uncertain significance (1 of 4 stars; one submission).

Conditions:
PCNT-related disorder. Also called: PCNT-related condition.

Submission:

PreventionGenetics, part of Exact Sciences
Classification: Uncertain significance for PCNT-related condition. Last evaluated: 2025-10-01. Review status: criteria provided, single submitter. Criteria: ACMG Guidelines, 2015. Collection method: clinical testing. Allele origin: germline.
Comment: The PCNT c.5010A>C variant is predicted to result in the amino acid substitution p.Glu1670Asp. To our knowledge, this variant has not been reported in the literature or in a large population database (gnomAD), indicating this variant is rare. At this time, the clinical significance of this variant is uncertain due to the absence of conclusive functional and genetic evidence.